The following is an entry in ClinVar:

NM_006412.4(AGPAT2):c.68C>T (p.Ala23Val)

Gene: AGPAT2 (1-acylglycerol-3-phosphate O-acyltransferase 2; minus strand). Cytogenetic location: 9q34.3.
Variant type: single nucleotide variant.
Coding change: c.68C>T on transcript NM_006412.4 (MANE Select); coding-DNA position 68, C replaced by T.
Protein change: p.Ala23Val; replaces alanine 23 with valine.
Molecular consequence: missense variant.
Genome position (GRCh38, 1-based): chr9:136,687,290, G>A on the plus strand (C>T on the coding strand, the complement: AGPAT2 is on the minus strand). VCF-style: chr9-136687290-G-A. GRCh37 (hg19) VCF-style: chr9-139581742-G-A.
Other names: c.68C>T, p.Ala23Val (NM_001012727.2); short protein forms A23V.
Identifiers: ClinVar variation 1899133 (VCV001899133.4), dbSNP rs1260518080, ClinGen allele CA375588281.

ClinVar aggregate classification (germline): Uncertain significance (1 of 4 stars; one submission).

Allele frequency attached by ClinVar (database versions not stated): gnomAD exomes below 0.00001; TOPMed 0.00001; gnomAD 0.00003.
gnomAD v4.1: 7 of 1,583,688 alleles (0.00044%); highest among the groups gnomAD compares: African/African-American, 0.0028%; no homozygotes.

Submission:

Labcorp Genetics (formerly Invitae), Labcorp
Classification: Uncertain significance. Last evaluated: 2022-09-29. Review status: criteria provided, single submitter. Criteria: Invitae Variant Classification Sherloc (09022015). Collection method: clinical testing. Allele origin: germline.
Comment: This sequence change replaces alanine, which is neutral and non-polar, with valine, which is neutral and non-polar, at codon 23 of the AGPAT2 protein (p.Ala23Val). The frequency data for this variant in the population databases is considered unreliable, as metrics indicate poor data quality at this position in the gnomAD database. This variant has not been reported in the literature in individuals affected with AGPAT2-related conditions. Algorithms developed to predict the effect of missense changes on protein structure and function (SIFT, PolyPhen-2, Align-GVGD) all suggest that this variant is likely to be tolerated. In summary, the available evidence is currently insufficient to determine the role of this variant in disease. Therefore, it has been classified as a Variant of Uncertain Significance.